The following is an entry in ClinVar:

NM_006218.4(PIK3CA):c.337C>T (p.Leu113Phe)

Gene: PIK3CA (phosphatidylinositol-4,5-bisphosphate 3-kinase catalytic subunit alpha; plus strand). Cytogenetic location: 3q26.32.
Variant type: single nucleotide variant.
Coding change: c.337C>T on transcript NM_006218.4 (MANE Select); coding-DNA position 337, C replaced by T.
Protein change: p.Leu113Phe; replaces leucine 113 with phenylalanine.
Molecular consequence: missense variant.
Genome position (GRCh38, 1-based): chr3:179,199,162, C>T. VCF-style: chr3-179199162-C-T. GRCh37 (hg19) VCF-style: chr3-178916950-C-T.
Other names: short protein forms L113F.
Identifiers: ClinVar variation 3344974 (VCV003344974.1).

ClinVar aggregate classification (germline): Uncertain significance (0 of 4 stars; one submission).

Conditions:
PIK3CA-related disorder. Also called: PIK3CA- related disease; PIK3CA-related condition; PIK3CA-related disorders.

Submission:

PreventionGenetics, part of Exact Sciences
Classification: Uncertain significance for PIK3CA-related condition. Last evaluated: 2024-07-01. Review status: no assertion criteria provided. Collection method: clinical testing. Allele origin: germline.
Comment: The PIK3CA c.337C>T variant is predicted to result in the amino acid substitution p.Leu113Phe. To our knowledge, this variant has not been reported in the literature or in a large population database, indicating this variant is rare. At this time, the clinical significance of this variant is uncertain due to the absence of conclusive functional and genetic evidence.